The following is an entry in ClinVar:

NM_174936.4(PCSK9):c.1345_1346del (p.His449fs)

Gene: PCSK9 (proprotein convertase subtilisin/kexin type 9; plus strand). Cytogenetic location: 1p32.3.
Variant type: Deletion.
Coding change: c.1345_1346del on transcript NM_174936.4 (MANE Select); coding-DNA positions 1345 to 1346, 2 bases deleted (CA; older notation c.1345_1346delCA).
Protein change: p.His449fs; shifts the reading frame from histidine 449.
Molecular consequence: frameshift variant. On other transcripts: non-coding transcript variant (5), intron variant (2).
Genome position (GRCh38, 1-based): chr1:55,058,200-55,058,201, CA deleted. VCF-style (leftmost placement, unchanged base first): chr1-55058199-CCA-C. GRCh37 (hg19) VCF-style: chr1-55523872-CCA-C.
Other names: c.1468_1469del, p.His490fs (NM_001407240.1); c.1345_1346del, p.His449fs (NM_001407241.1); c.1348_1349del, p.His450fs (NM_001407242.1); c.1288_1289del, p.His430fs (NM_001407243.1); c.1153_1154del, p.His385fs (NM_001407245.1); c.970_971del, p.His324fs (NM_001407246.1); c.1181-299_1181-298del (NM_001407244.1); c.1180+686_1180+687del (NM_001407247.1); short protein forms H324fs, H385fs, H430fs, H449fs, H450fs, H490fs.
Identifiers: ClinVar variation 3387449 (VCV003387449.1).
Genomic context (GRCh38, chr1:55,058,199, plus strand): 5'-GTTCCCTGAGGACCAGCGGGTACTGACCCCCAACCTGGTGGCCGCCCTGCCCCCCAGCAC[CCA>C]TGGGGCAGGTAAGCAGGATGGCAGGGTGGGCAAGTCCAGGCTGGGGCTTGGGAGGTCTGT-3'

ClinVar aggregate classification (germline): Uncertain significance (1 of 4 stars; one submission).

Conditions:
Hypercholesterolemia, autosomal dominant, 3 (FHCL3). Also called: Familial Hypercholesterolemia, Autosomal Dominant, 3; PCSK9-Related Familial Hypercholesterolemia, Autosomal Dominant; Familial hypercholesterolemia 3. Identifiers: MedGen C1863551, MONDO:0011369, OMIM 603776.

Submission:

All of Us Research Program, National Institutes of Health
Classification: Uncertain significance for Hypercholesterolemia, autosomal dominant, 3. Last evaluated: 2024-03-05. Review status: criteria provided, single submitter. Criteria: ACMG Guidelines, 2015. Collection method: clinical testing. Allele origin: germline. Inheritance: Autosomal dominant inheritance. Observed: 1 variant allele, 1 heterozygote.
Comment: This study involves interpretation of variants in research participants for the purpose of population health screening. Participant phenotype was not available at the time of variant classification. Additional details can be found in publication PMID: 35346344, PMCID: PMC8962531